The following is an entry in ClinVar:

ClinVar aggregate classification (germline): Uncertain significance (1 of 4 stars; one submission).

Conditions:
Transcobalamin II deficiency (TCN2D). Also called: Transcolabamin II deficiency; TC II DEFICIENCY; TCN2 DEFICIENCY. Identifiers: Orphanet 859, MedGen C0342701, MONDO:0010149, OMIM 275350.

Allele frequency attached by ClinVar (database versions not stated): gnomAD exomes below 0.00001; gnomAD 0.00001; TOPMed 0.00002.

Submission:

Labcorp Genetics (formerly Invitae), Labcorp
Classification: Uncertain significance for Transcobalamin II deficiency. Last evaluated: 2021-12-25. Review status: criteria provided, single submitter. Criteria: Invitae Variant Classification Sherloc (09022015). Collection method: clinical testing. Allele origin: germline.
Comment: In summary, the available evidence is currently insufficient to determine the role of this variant in disease. Therefore, it has been classified as a Variant of Uncertain Significance. Algorithms developed to predict the effect of missense changes on protein structure and function output the following: SIFT: "Tolerated"; PolyPhen-2: "Benign"; Align-GVGD: "Class C0". The arginine amino acid residue is found in multiple mammalian species, which suggests that this missense change does not adversely affect protein function. This variant has not been reported in the literature in individuals affected with TCN2-related conditions. This variant is present in population databases (no rsID available, gnomAD 0.01%). This sequence change replaces glutamine, which is neutral and polar, with arginine, which is basic and polar, at codon 104 of the TCN2 protein (p.Gln104Arg).

NM_000355.4(TCN2):c.311A>G (p.Gln104Arg)

Gene: TCN2 (transcobalamin 2; plus strand). Cytogenetic location: 22q12.2.
Variant type: single nucleotide variant.
Coding change: c.311A>G on transcript NM_000355.4 (MANE Select); coding-DNA position 311, A replaced by G.
Protein change: p.Gln104Arg; replaces glutamine 104 with arginine.
Molecular consequence: missense variant.
Genome position (GRCh38, 1-based): chr22:30,612,926, A>G. VCF-style: chr22-30612926-A-G. GRCh37 (hg19) VCF-style: chr22-31008913-A-G.
Other names: c.311A>G, p.Gln104Arg (NM_001184726.2); short protein forms Q104R.
Identifiers: ClinVar variation 1951664 (VCV001951664.5), dbSNP rs887210905, ClinGen allele CA323231507.